The following is an entry in ClinVar:

ClinVar aggregate classification (germline): Uncertain significance (1 of 4 stars; one submission).

Submission:

GeneDx
Classification: Uncertain significance. Last evaluated: 2023-10-19. Review status: criteria provided, single submitter. Criteria: GeneDx Variant Classification Process June 2021. Collection method: clinical testing. Allele origin: germline. Affected: yes.
Comment: Not observed at significant frequency in large population cohorts (gnomAD); In silico analysis supports that this missense variant does not alter protein structure/function; Has not been previously published as pathogenic or benign to our knowledge

NM_013436.5(NCKAP1):c.1380G>A (p.Met460Ile)

Gene: NCKAP1 (NCK associated protein 1; minus strand). Cytogenetic location: 2q32.1.
Variant type: single nucleotide variant.
Coding change: c.1380G>A on transcript NM_013436.5 (MANE Select); coding-DNA position 1380, G replaced by A.
Protein change: p.Met460Ile; replaces methionine 460 with isoleucine.
Molecular consequence: missense variant.
Genome position (GRCh38, 1-based): chr2:182,978,877, C>T on the plus strand (G>A on the coding strand, the complement: NCKAP1 is on the minus strand). VCF-style: chr2-182978877-C-T. GRCh37 (hg19) VCF-style: chr2-183843605-C-T.
Other names: c.1398G>A, p.Met466Ile (NM_205842.3); short protein forms M460I, M466I.
Identifiers: ClinVar variation 3366100 (VCV003366100.1).